The following is an entry in ClinVar:

ClinVar aggregate classification (germline): Uncertain significance. Review status: criteria provided, single submitter (1 of 4 stars). 3 submissions from 3 submitters: Uncertain significance (1). 2 of the submissions do not count toward it. Last evaluated 2025-12-03.

Conditions:
FANCA-related disorder. Also called: FANCA-related condition.
Fanconi anemia complementation group A (FANCA). Also called: Fanconi anemia, group A; FANCA-Related Fanconi Anemia. Identifiers: Orphanet 84, MedGen C3469521, MONDO:0009215, OMIM 227650.
Fanconi anemia (FA). Also called: Fanconi's anemia. Identifiers: Orphanet 84, MedGen C0015625, MeSH D005199, MONDO:0019391.

Allele frequency attached by ClinVar (database versions not stated): gnomAD exomes 0.00001.
gnomAD v4.1: 23 of 1,613,706 alleles (0.0014%); highest among the groups gnomAD compares: Non-Finnish European, 0.0016%; no homozygotes.

Submissions (3):

Labcorp Genetics (formerly Invitae), Labcorp
Classification: Uncertain significance for Fanconi anemia. Last evaluated: 2025-12-03. Review status: criteria provided, single submitter. Criteria: Invitae Variant Classification Sherloc (09022015). Collection method: clinical testing. Allele origin: germline.
Comment: This sequence change replaces asparagine, which is neutral and polar, with isoleucine, which is neutral and non-polar, at codon 1113 of the FANCA protein (p.Asn1113Ile). This variant is present in population databases (no rsID available, gnomAD 0.002%). This missense change has been observed in individual(s) with Fanconi anemia (PMID: 25239263, 37276838). ClinVar contains an entry for this variant (Variation ID: 974350). Invitae Evidence Modeling of protein sequence and biophysical properties (such as structural, functional, and spatial information, amino acid conservation, physicochemical variation, residue mobility, and thermodynamic stability) indicates that this missense variant is not expected to disrupt FANCA protein function with a negative predictive value of 95%. In summary, the available evidence is currently insufficient to determine the role of this variant in disease. Therefore, it has been classified as a Variant of Uncertain Significance.

PreventionGenetics, part of Exact Sciences
Classification: Uncertain significance for FANCA-related condition. Last evaluated: 2024-06-21. Review status: no assertion criteria provided. Collection method: clinical testing. Allele origin: germline. Not counted in ClinVar's aggregate classification.
Comment: The FANCA c.3338A>T variant is predicted to result in the amino acid substitution p.Asn1113Ile. This variant has been reported previously, in the cis configuration with another variant designated FANCA c.3316G>A, in individuals with Fanconi anemia who also harbored a second FANCA variant on the opposite allele (Zhang et al. 2015. PubMed ID: 25239263. Table S2; Coleman et al. 2023. PubMed ID: 37276838).This variant is reported in 0.0018% of alleles in individuals of European (Non-Finnish) descent in gnomAD and is interpreted as uncertain in ClinVar. At this time, the clinical significance of this variant is uncertain due to the absence of conclusive functional and genetic evidence.

Leiden Open Variation Database
Classification: Uncertain significance for Fanconi anemia complementation group A. Last evaluated: 2020-02-28. Review status: no assertion criteria provided. Collection method: curation. Allele origin: germline. Affected: yes. Not counted in ClinVar's aggregate classification.
Comment: Curator: Arleen D. Auerbach. Submitter to LOVD: Arleen D. Auerbach.

Literature cited by the submitters: PubMed 25239263 (cited by Labcorp Genetics (formerly Invitae), Labcorp); PubMed 37276838 (cited by Labcorp Genetics (formerly Invitae), Labcorp).

NM_000135.4(FANCA):c.3338A>T (p.Asn1113Ile)

Gene: FANCA (FA complementation group A; minus strand). Cytogenetic location: 16q24.3.
Variant type: single nucleotide variant.
Coding change: c.3338A>T on transcript NM_000135.4 (MANE Select); coding-DNA position 3338, A replaced by T.
Protein change: p.Asn1113Ile; replaces asparagine 1113 with isoleucine.
Molecular consequence: missense variant.
Genome position (GRCh38, 1-based): chr16:89,748,669, T>A on the plus strand (A>T on the coding strand, the complement: FANCA is on the minus strand). VCF-style: chr16-89748669-T-A. GRCh37 (hg19) VCF-style: chr16-89815077-T-A.
Other names: c.3338A>T, p.Asn1113Ile (NM_001286167.3); short protein forms N1113I.
Identifiers: ClinVar variation 974350 (VCV000974350.3), dbSNP rs1204335568, ClinGen allele CA397486199.